The following is an entry in ClinVar:

ClinVar aggregate classification (germline): Conflicting classifications of pathogenicity. Review status: criteria provided, conflicting classifications (1 of 4 stars). 6 submissions from 6 submitters: Uncertain significance (5); Likely benign (1). Last evaluated 2025-12-11.

Conditions:
Catecholaminergic polymorphic ventricular tachycardia (CVPT). Also called: Catecholamine-induced polymorphic ventricular tachycardia. Identifiers: Orphanet 3286, MedGen C5574922, MONDO:0017990.
Cardiovascular phenotype. Identifiers: MedGen CN230736.
Arrhythmogenic right ventricular cardiomyopathy (ARVD). Also called: Arrhythmogenic cardiomyopathy; Cardiomyopathy, ARVC; Arrhythmogenic right ventricular dysplasia; Arrhythmogenic Right Ventricular Cardiomyopathy (ARVC). Identifiers: Orphanet 247, MedGen C0349788, MeSH D019571, MONDO:0016587. Disease mechanism: loss of function. Inheritance: Various modes of inheritance.
Catecholaminergic polymorphic ventricular tachycardia 1. Also called: RYR2-Related Catecholaminergic Polymorphic Ventricular Tachycardia; VENTRICULAR TACHYCARDIA, CATECHOLAMINERGIC POLYMORPHIC, 1, WITH OR WITHOUT ATRIAL DYSFUNCTION AND/OR DILATED CARDIOMYOPATHY; VENTRICULAR TACHYCARDIA, STRESS-INDUCED POLYMORPHIC 1. Identifiers: Orphanet 3286, MedGen C1631597, MONDO:0011484, OMIM 604772.
Cardiomyopathy (CMYO). Also called: Cardiomyopathies. Identifiers: Orphanet 167848, MedGen C0878544, MONDO:0004994, HP:0001638. Inheritance: Various modes of inheritance.

Allele frequency attached by ClinVar (database versions not stated): TOPMed below 0.00001; gnomAD 0.00001; gnomAD exomes 0.00002 and 0.00003; ExAC 0.00003.
gnomAD v4.1: 27 of 1,613,584 alleles (0.0017%); highest among the groups gnomAD compares: Non-Finnish European, 0.0023%; 1 homozygote.

Submissions (6):

Color Diagnostics, LLC DBA Color Health
Classification: Uncertain significance for Cardiomyopathy. Last evaluated: 2025-12-11. Review status: criteria provided, single submitter. Criteria: ACMG Guidelines, 2015. Collection method: clinical testing. Allele origin: germline.
Comment: This missense variant replaces glutamic acid with lysine at codon 4081 of the RYR2 protein. Computational prediction suggests that this variant may not impact protein structure and function. To our knowledge, functional studies have not been reported for this variant. This variant has not been reported in individuals affected with RYR2-related disorders in the literature. This variant has been identified in 27/1613584 chromosomes in the general population by the Genome Aggregation Database (gnomAD). The available evidence is insufficient to determine the role of this variant in disease conclusively. Therefore, this variant is classified as a Variant of Uncertain Significance.

Labcorp Genetics (formerly Invitae), Labcorp
Classification: Likely benign for Catecholaminergic polymorphic ventricular tachycardia 1. Last evaluated: 2025-11-03. Review status: criteria provided, single submitter. Criteria: Invitae Variant Classification Sherloc (09022015). Collection method: clinical testing. Allele origin: germline.

All of Us Research Program, National Institutes of Health
Classification: Uncertain significance for Catecholaminergic polymorphic ventricular tachycardia. Last evaluated: 2023-12-13. Review status: criteria provided, single submitter. Criteria: ACMG Guidelines, 2015. Collection method: clinical testing. Allele origin: germline. Inheritance: Autosomal dominant inheritance. Observed: 4 variant alleles, 4 heterozygotes.
Comment: This missense variant replaces glutamic acid with lysine at codon 4081 of the RYR2 protein. Computational prediction suggests that this variant may not impact protein structure and function (internally defined REVEL score threshold <= 0.5, PMID: 27666373). To our knowledge, functional studies have not been reported for this variant. This variant has not been reported in individuals affected with RYR2-related disorders in the literature. This variant has been identified in 7/247288 chromosomes in the general population by the Genome Aggregation Database (gnomAD). The available evidence is insufficient to determine the role of this variant in disease conclusively. Therefore, this variant is classified as a Variant of Uncertain Significance.

This study involves interpretation of variants in research participants for the purpose of population health screening. Participant phenotype was not available at the time of variant classification. Additional details can be found in publication PMID: 35346344, PMCID: PMC8962531

Molecular Genetics Laboratory - Cardiogenetics, CHU de Nantes
Classification: Uncertain significance for Arrhythmogenic right ventricular cardiomyopathy. Last evaluated: 2022-06-01. Review status: criteria provided, single submitter. Criteria: ACMG Guidelines, 2015. Collection method: curation. Allele origin: germline. Affected: yes.

Ambry Genetics
Classification: Uncertain significance for Cardiovascular phenotype. Last evaluated: 2022-04-20. Review status: criteria provided, single submitter. Criteria: Ambry Variant Classification Scheme 2023. Collection method: clinical testing. Allele origin: germline.
Comment: The p.E4081K variant (also known as c.12241G>A), located in coding exon 90 of the RYR2 gene, results from a G to A substitution at nucleotide position 12241. The glutamic acid at codon 4081 is replaced by lysine, an amino acid with similar properties. This amino acid position is highly conserved in available vertebrate species. In addition, this alteration is predicted to be tolerated by in silico analysis. Since supporting evidence is limited at this time, the clinical significance of this alteration remains unclear.

GeneDx
Classification: Uncertain significance. Last evaluated: 2021-06-22. Review status: criteria provided, single submitter. Criteria: GeneDx Variant Classification Process June 2021. Collection method: clinical testing. Allele origin: germline. Affected: yes.
Comment: Has not been previously published as pathogenic or benign to our knowledge; Reported in ClinVar as a variant of uncertain significance (ClinVar Variant ID# 654023; Landrum et al., 2016); Located in one of the three hot-spot regions of the RYR2 gene, where the majority of pathogenic missense variants occur (Medeiros-Domingo et al., 2009); In silico analysis supports that this missense variant does not alter protein structure/function; This variant is associated with the following publications: (PMID: 27535533, 26582918, 19926015)

NM_001035.3(RYR2):c.12241G>A (p.Glu4081Lys)

Gene: RYR2 (ryanodine receptor 2; plus strand). Cytogenetic location: 1q43.
Variant type: single nucleotide variant.
Coding change: c.12241G>A on transcript NM_001035.3 (MANE Select); coding-DNA position 12241, G replaced by A.
Protein change: p.Glu4081Lys; replaces glutamic acid 4081 with lysine.
Molecular consequence: missense variant.
Genome position (GRCh38, 1-based): chr1:237,783,953, G>A. VCF-style: chr1-237783953-G-A. GRCh37 (hg19) VCF-style: chr1-237947253-G-A.
Other names: c.12241G>A, p.Glu4081Lys (LRG_402t1); short protein forms E4081K.
Identifiers: ClinVar variation 654023 (VCV000654023.18), dbSNP rs763004638, ClinGen allele CA085155.